The following is an entry in ClinVar:

ClinVar aggregate classification (germline): Uncertain significance. Review status: criteria provided, multiple submitters, no conflicts (2 of 4 stars). 2 submissions from 2 submitters: Uncertain significance (2). Last evaluated 2025-09-18.

Conditions:
Familial hemiplegic migraine. Identifiers: MedGen C0338484, MONDO:0000700.

Allele frequency attached by ClinVar (database versions not stated): gnomAD exomes below 0.00001 and 0.00001.
gnomAD v4.1: 8 of 1,614,162 alleles (0.0005%); highest among the groups gnomAD compares: East Asian, 0.0022%; no homozygotes.

Submissions (2):

GeneDx
Classification: Uncertain significance. Last evaluated: 2025-09-18. Review status: criteria provided, single submitter. Criteria: GeneDx Variant Classification Process June 2021. Collection method: clinical testing. Allele origin: germline. Affected: yes.
Comment: Not observed at significant frequency in large population cohorts (gnomAD); In silico analysis supports that this missense variant has a deleterious effect on protein structure/function; Has not been previously published as pathogenic or benign to our knowledge; This variant is associated with the following publications: (PMID: 18184292)

Labcorp Genetics (formerly Invitae), Labcorp
Classification: Uncertain significance for Familial hemiplegic migraine. Last evaluated: 2024-10-21. Review status: criteria provided, single submitter. Criteria: Invitae Variant Classification Sherloc (09022015). Collection method: clinical testing. Allele origin: germline.
Comment: This sequence change replaces glycine, which is neutral and non-polar, with serine, which is neutral and polar, at codon 664 of the ATP1A2 protein (p.Gly664Ser). This variant is present in population databases (no rsID available, gnomAD 0.003%). This variant has not been reported in the literature in individuals affected with ATP1A2-related conditions. ClinVar contains an entry for this variant (Variation ID: 452425). Invitae Evidence Modeling of protein sequence and biophysical properties (such as structural, functional, and spatial information, amino acid conservation, physicochemical variation, residue mobility, and thermodynamic stability) has been performed for this missense variant. However, the output from this modeling did not meet the statistical confidence thresholds required to predict the impact of this variant on ATP1A2 protein function. In summary, the available evidence is currently insufficient to determine the role of this variant in disease. Therefore, it has been classified as a Variant of Uncertain Significance.

NM_000702.4(ATP1A2):c.1990G>A (p.Gly664Ser)

Gene: ATP1A2 (ATPase Na+/K+ transporting subunit alpha 2; plus strand). Cytogenetic location: 1q23.2.
Variant type: single nucleotide variant.
Coding change: c.1990G>A on transcript NM_000702.4 (MANE Select); coding-DNA position 1990, G replaced by A.
Protein change: p.Gly664Ser; replaces glycine 664 with serine.
Molecular consequence: missense variant.
Genome position (GRCh38, 1-based): chr1:160,135,170, G>A. VCF-style: chr1-160135170-G-A. GRCh37 (hg19) VCF-style: chr1-160104960-G-A.
Other names: short protein forms G664S.
Identifiers: ClinVar variation 452425 (VCV000452425.8), dbSNP rs1483366741, ClinGen allele CA343248499.